The following is an entry in ClinVar:

ClinVar aggregate classification (germline): Uncertain significance. Review status: criteria provided, multiple submitters, no conflicts (2 of 4 stars). 2 submissions from 2 submitters: Uncertain significance (2). Last evaluated 2025-03-25.

Conditions:
Frontotemporal dementia and/or amyotrophic lateral sclerosis 1 (FTDALS1). Also called: C9orf72 Frontotemporal Dementia and/or Amyotrophic Lateral Sclerosis; Frontotemporal dementia with motor neuron disease 1. Identifiers: Orphanet 275872, MedGen C5779877, MONDO:0007105, OMIM 105550.
Paget disease of bone 2, early-onset (PDB2). Also called: Paget disease of bone 2. Identifiers: MedGen C4085251, MONDO:0011183, OMIM 602080.
SQSTM1-related disorder. Also called: SQSTM1-Related Disorders.

Submissions (2):

PreventionGenetics, part of Exact Sciences
Classification: Uncertain significance for SQSTM1-related condition. Last evaluated: 2025-03-25. Review status: criteria provided, single submitter. Criteria: ACMG Guidelines, 2015. Collection method: clinical testing. Allele origin: germline.
Comment: The SQSTM1 c.985G>A variant is predicted to result in the amino acid substitution p.Asp329Asn. To our knowledge, this variant has not been reported in the literature or in a large population database (gnomAD), indicating this variant is rare. A different missense change impacting the same amino acid (p.Asp329Gly) has been reported in individuals with frontotemporal lobar degeneration and amyotrophic lateral sclerosis (van der Zee et al. 2014. PubMed ID: 24899140; Yilmaz et al. 2020. PubMed ID: 31859009). Although we suspect the c.985G>A (p.Asp329Asn) variant may be pathogenic, at this time, the clinical significance of this variant is uncertain due to the absence of conclusive functional and genetic evidence.

Labcorp Genetics (formerly Invitae), Labcorp
Classification: Uncertain significance for Paget disease of bone 2, early-onset; Frontotemporal dementia and/or amyotrophic lateral sclerosis 1. Last evaluated: 2022-03-04. Review status: criteria provided, single submitter. Criteria: Invitae Variant Classification Sherloc (09022015). Collection method: clinical testing. Allele origin: germline.
Comment: This sequence change replaces aspartic acid, which is acidic and polar, with asparagine, which is neutral and polar, at codon 329 of the SQSTM1 protein (p.Asp329Asn). This variant is not present in population databases (gnomAD no frequency). This variant has not been reported in the literature in individuals affected with SQSTM1-related conditions. Algorithms developed to predict the effect of missense changes on protein structure and function (SIFT, PolyPhen-2, Align-GVGD) all suggest that this variant is likely to be tolerated. In summary, the available evidence is currently insufficient to determine the role of this variant in disease. Therefore, it has been classified as a Variant of Uncertain Significance.

NM_003900.5(SQSTM1):c.985G>A (p.Asp329Asn)

Gene: SQSTM1 (sequestosome 1; plus strand). Cytogenetic location: 5q35.3.
Variant type: single nucleotide variant.
Coding change: c.985G>A on transcript NM_003900.5 (MANE Select); coding-DNA position 985, G replaced by A.
Protein change: p.Asp329Asn; replaces aspartic acid 329 with asparagine.
Molecular consequence: missense variant.
Genome position (GRCh38, 1-based): chr5:179,833,602, G>A. VCF-style: chr5-179833602-G-A. GRCh37 (hg19) VCF-style: chr5-179260602-G-A.
Other names: c.733G>A, p.Asp245Asn (NM_001142298.2, NM_001142299.2); c.985G>A (NM_003900.4); short protein forms D329N, D245N.
Identifiers: ClinVar variation 1979648 (VCV001979648.5), dbSNP rs367902954, ClinGen allele CA362452362.
Genomic context (GRCh38, chr5:179,833,602, plus strand): 5'-CTGTTGCGCGTGTCTCCTGTGTGCTCATGGTGAGTTTTGTTCCAGGAACAGATGGAGTCG[G>A]ATAACTGTTCAGGAGGAGATGATGACTGGACCCATCTGTCTTCAAAAGAAGTGGACCCGT-3'
Protein context (NP_003891.1, residues 319-339): EGRPEEQMES[Asp329Asn]NCSGGDDDWT